The following is an entry in ClinVar:

NM_014727.3(KMT2B):c.7051C>T (p.Pro2351Ser)

Gene: KMT2B (lysine methyltransferase 2B; plus strand). Cytogenetic location: 19q13.12.
Variant type: single nucleotide variant.
Coding change: c.7051C>T on transcript NM_014727.3 (MANE Select); coding-DNA position 7051, C replaced by T.
Protein change: p.Pro2351Ser; replaces proline 2351 with serine.
Molecular consequence: missense variant.
Genome position (GRCh38, 1-based): chr19:35,733,764, C>T. VCF-style: chr19-35733764-C-T. GRCh37 (hg19) VCF-style: chr19-36224665-C-T.
Other names: short protein forms P2351S.
Identifiers: ClinVar variation 1720216 (VCV001720216.5), dbSNP rs1330696061, ClinGen allele CA405431465.

ClinVar aggregate classification (germline): Uncertain significance (1 of 4 stars; one submission).

Allele frequency attached by ClinVar (database versions not stated): gnomAD 0.00001; gnomAD exomes 0.00001.
gnomAD v4.1: 6 of 1,612,708 alleles (0.00037%); highest among the groups gnomAD compares: African/African-American, 0.0013%; no homozygotes.

Submission:

Labcorp Genetics (formerly Invitae), Labcorp
Classification: Uncertain significance. Last evaluated: 2023-06-29. Review status: criteria provided, single submitter. Criteria: Invitae Variant Classification Sherloc (09022015). Collection method: clinical testing. Allele origin: germline.
Comment: Algorithms developed to predict the effect of missense changes on protein structure and function output the following: SIFT: "Not Available"; PolyPhen-2: "Not Available"; Align-GVGD: "Not Available". The serine amino acid residue is found in multiple mammalian species, which suggests that this missense change does not adversely affect protein function. In summary, the available evidence is currently insufficient to determine the role of this variant in disease. Therefore, it has been classified as a Variant of Uncertain Significance. Algorithms developed to predict the effect of sequence changes on RNA splicing suggest that this variant may disrupt the consensus splice site. ClinVar contains an entry for this variant (Variation ID: 1720216). This variant has not been reported in the literature in individuals affected with KMT2B-related conditions. This variant is present in population databases (no rsID available, gnomAD 0.003%). This sequence change replaces proline, which is neutral and non-polar, with serine, which is neutral and polar, at codon 2351 of the KMT2B protein (p.Pro2351Ser).